The following is an entry in ClinVar:

NM_001253697.2(ERBIN):c.3227G>T (p.Arg1076Leu)

Gene: ERBIN (erbb2 interacting protein; plus strand). Cytogenetic location: 5q12.3.
Variant type: single nucleotide variant.
Coding change: c.3227G>T on transcript NM_001253697.2 (MANE Select); coding-DNA position 3227, G replaced by T.
Protein change: p.Arg1076Leu; replaces arginine 1076 with leucine.
Molecular consequence: missense variant.
Genome position (GRCh38, 1-based): chr5:66,054,545, G>T. VCF-style: chr5-66054545-G-T. GRCh37 (hg19) VCF-style: chr5-65350373-G-T.
Other names: c.3227G>T, p.Arg1076Leu (NM_001006600.3, NM_001253698.2, NM_001253699.2 and 1 more transcripts); c.3215G>T, p.Arg1072Leu (NM_001253701.2); short protein forms R1072L, R1076L.
Identifiers: ClinVar variation 1896548 (VCV001896548.5), dbSNP rs774967294, ClinGen allele CA119868581.
Genomic context (GRCh38, chr5:66,054,545, plus strand): 5'-TGTGGGCCATCTCACCAAACGACCGACTTATTCCTGCAGTAACTCGAAGTACAATCCAGC[G>T]ACAAAGTAGTGTGTCCTCCACAGCCTCTGTAAATCTTGGTGATCCAGGCTCTACAAGGCG-3'
Protein context (NP_001240626.1, residues 1066-1086): IPAVTRSTIQ[Arg1076Leu]QSSVSSTASV

ClinVar aggregate classification (germline): Uncertain significance (1 of 4 stars; one submission).

gnomAD v4.1: 8 of 1,613,984 alleles (0.0005%); highest among the groups gnomAD compares: Non-Finnish European, 0.00059%; no homozygotes.

Submission:

Labcorp Genetics (formerly Invitae), Labcorp
Classification: Uncertain significance. Last evaluated: 2023-10-14. Review status: criteria provided, single submitter. Criteria: Invitae Variant Classification Sherloc (09022015). Collection method: clinical testing. Allele origin: germline.
Comment: This sequence change replaces arginine, which is basic and polar, with leucine, which is neutral and non-polar, at codon 1076 of the ERBIN protein (p.Arg1076Leu). This variant is not present in population databases (gnomAD no frequency). This variant has not been reported in the literature in individuals affected with ERBIN-related conditions. ClinVar contains an entry for this variant (Variation ID: 1896548). An algorithm developed to predict the effect of missense changes on protein structure and function (PolyPhen-2) suggests that this variant is likely to be disruptive. In summary, the available evidence is currently insufficient to determine the role of this variant in disease. Therefore, it has been classified as a Variant of Uncertain Significance.